The following is an entry in ClinVar:

ClinVar aggregate classification (germline): Benign/Likely benign. Review status: criteria provided, multiple submitters, no conflicts (2 of 4 stars). 4 submissions from 4 submitters: Benign (2); Likely benign (2). Last evaluated 2026-08-01.

Conditions:
MHC class I deficiency. Identifiers: Orphanet 34592, MedGen C6024714, MONDO:0011476.

Allele frequency attached by ClinVar (database versions not stated): 1000 Genomes Project 30x 0.00500; 1000 Genomes Project 0.00519; ESP Exome Variant Server 0.00558; TOPMed 0.00596.

Submissions (4):

CeGaT Center for Human Genetics Tuebingen
Classification: Likely benign. Last evaluated: 2026-08-01. Review status: criteria provided, single submitter. Criteria: CeGaT Center For Human Genetics Tuebingen Variant Classification Criteria Version 2. Collection method: clinical testing. Allele origin: germline. Affected: yes. Observed: 1 variant allele.
Comment: TAP2: BP4, BP7, BS1

Labcorp Genetics (formerly Invitae), Labcorp
Classification: Benign for MHC class I deficiency 1. Last evaluated: 2026-02-01. Review status: criteria provided, single submitter. Criteria: Invitae Variant Classification Sherloc (09022015). Collection method: clinical testing. Allele origin: germline.

Women's Health and Genetics/Laboratory Corporation of America, LabCorp
Classification: Benign. Last evaluated: 2026-01-23. Review status: criteria provided, single submitter. Criteria: LabCorp Variant Classification Summary - May 2015. Collection method: clinical testing. Allele origin: germline.

Blueprint Genetics
Classification: Likely benign. Last evaluated: 2024-11-25. Review status: criteria provided, single submitter. Criteria: ACMG Guidelines, 2015. Collection method: clinical testing. Allele origin: germline.

NM_001290043.2(TAP2):c.222C>A (p.Pro74=)

Gene: TAP2 (transporter 2, ATP binding cassette subfamily B member; minus strand). Cytogenetic location: 6p21.32.
Variant type: single nucleotide variant.
Coding change: c.222C>A on transcript NM_001290043.2 (MANE Select); coding-DNA position 222, C replaced by A.
Protein change: p.Pro74=; no amino-acid change (proline 74 retained).
Molecular consequence: synonymous variant.
Genome position (GRCh38, 1-based): chr6:32,838,012, G>T on the plus strand (C>A on the coding strand, the complement: TAP2 is on the minus strand). VCF-style: chr6-32838012-G-T. GRCh37 (hg19) VCF-style: chr6-32805789-G-T.
Other names: c.222C>A, p.Pro74= (NM_000544.3, NM_018833.3).
Identifiers: ClinVar variation 466372 (VCV000466372.14), dbSNP rs2229526, ClinGen allele CA3746194.